The following is an entry in ClinVar:

ClinVar aggregate classification (germline): Uncertain significance (1 of 4 stars; one submission).

Conditions:
Gorlin syndrome. Also called: Basal cell nevus syndrome; Nevoid Basal Cell Carcinoma Syndrome. Identifiers: Orphanet 377, MedGen C0004779, MONDO:0007187.

Allele frequency attached by ClinVar (database versions not stated): TOPMed below 0.00001.

Submission:

Labcorp Genetics (formerly Invitae), Labcorp
Classification: Uncertain significance for Gorlin syndrome. Last evaluated: 2019-05-23. Review status: criteria provided, single submitter. Criteria: Invitae Variant Classification Sherloc (09022015). Collection method: clinical testing. Allele origin: germline.
Comment: This sequence change falls in intron 1 of the PTCH1 gene. It does not directly change the encoded amino acid sequence of the PTCH1 protein, but it affects a nucleotide within the consensus splice site of the intron. This variant is not present in population databases (ExAC no frequency). This variant has not been reported in the literature in individuals with PTCH1-related conditions. Nucleotide substitutions within the consensus splice site are a relatively common cause of aberrant splicing (PMID: 17576681, 9536098). Algorithms developed to predict the effect of sequence changes on RNA splicing suggest that this variant is not likely to affect RNA splicing, but this prediction has not been confirmed by published transcriptional studies. In summary, the available evidence is currently insufficient to determine the role of this variant in disease. Therefore, it has been classified as a Variant of Uncertain Significance.

Literature cited by the submitters: PubMed 17576681; PubMed 9536098.

NM_000264.5(PTCH1):c.202-3C>T

Genes: PTCH1 (patched 1; minus strand), LOC130002132 (ATAC-STARR-seq lymphoblastoid silent region 20069; plus strand). Cytogenetic location: 9q22.32.
Variant type: single nucleotide variant.
Coding change: c.202-3C>T on transcript NM_000264.5 (MANE Select); 3 bases into the intron before coding-DNA position 202, C replaced by T.
Molecular consequence: intron variant.
Genome position (GRCh38, 1-based): chr9:95,506,602, G>A on the plus strand (C>T on the coding strand, the complement: PTCH1 is on the minus strand). VCF-style: chr9-95506602-G-A. GRCh37 (hg19) VCF-style: chr9-98268884-G-A.
Other names: c.199-3C>T (NM_001083603.3); c.4-3C>T (NM_001083602.3, NM_001354919.2); c.202-3C>T (NM_001354918.2); c.-252-3C>T (NM_001083605.3, NM_001083604.3, NM_001083606.3 and 1 more transcripts).
Identifiers: ClinVar variation 952362 (VCV000952362.10), dbSNP rs1353756463, ClinGen allele CA466103721.